The following is an entry in ClinVar:

NM_000860.6(HPGD):c.218-1G>T

Gene: HPGD (15-hydroxyprostaglandin dehydrogenase; minus strand). Cytogenetic location: 4q34.1.
Variant type: single nucleotide variant.
Coding change: c.218-1G>T on transcript NM_000860.6 (MANE Select); the canonical splice acceptor site of the intron before coding-DNA position 218, G replaced by T.
Molecular consequence: splice acceptor variant. On other transcripts: intron variant (2).
Genome position (GRCh38, 1-based): chr4:174,518,078, C>A on the plus strand (G>T on the coding strand, the complement: HPGD is on the minus strand). VCF-style: chr4-174518078-C-A. GRCh37 (hg19) VCF-style: chr4-175439229-C-A.
Other names: c.217+3866G>T (NM_001256306.2); c.-40+3866G>T (NM_001256307.2); c.218-1G>T (NM_001256305.2, NM_001145816.3, NM_001363574.2); c.-146-1G>T (NM_001256301.1).
Identifiers: ClinVar variation 1906299 (VCV001906299.5), dbSNP rs1166031576, ClinGen allele CA358813156.

ClinVar aggregate classification (germline): Pathogenic (1 of 4 stars; one submission).

Allele frequency attached by ClinVar (database versions not stated): gnomAD exomes below 0.00001.
gnomAD v4.1: 7 of 1,446,442 alleles (0.00048%); highest among the groups gnomAD compares: East Asian, 0.014%; no homozygotes.

Submission:

Labcorp Genetics (formerly Invitae), Labcorp
Classification: Pathogenic. Last evaluated: 2022-07-15. Review status: criteria provided, single submitter. Criteria: Invitae Variant Classification Sherloc (09022015). Collection method: clinical testing. Allele origin: germline.
Comment: For these reasons, this variant has been classified as Pathogenic. Algorithms developed to predict the effect of sequence changes on RNA splicing suggest that this variant may disrupt the consensus splice site. Disruption of this splice site has been observed in individual(s) with autosomal recessive hypertrophic osteoarthropathy (Invitae). In at least one individual the data is consistent with being in trans (on the opposite chromosome) from a pathogenic variant. This variant is present in population databases (no rsID available, gnomAD 0.03%). This sequence change affects an acceptor splice site in intron 2 of the HPGD gene. It is expected to disrupt RNA splicing. Variants that disrupt the donor or acceptor splice site typically lead to a loss of protein function (PMID: 16199547), and loss-of-function variants in HPGD are known to be pathogenic (PMID: 18500342, 19568269, 24533558, 24816859).

Literature cited by the submitters: PubMed 16199547; PubMed 18500342; PubMed 19568269; PubMed 24533558; PubMed 24816859.